The following is an entry in ClinVar:

NM_000257.4(MYH7):c.4531G>A (p.Asp1511Asn)

Genes: MHRT (myosin heavy chain associated RNA transcript; plus strand), MYH7 (myosin heavy chain 7; minus strand). Cytogenetic location: 14q11.2.
Variant type: single nucleotide variant.
Coding change: c.4531G>A on transcript NM_000257.4 (MANE Select); coding-DNA position 4531, G replaced by A.
Protein change: p.Asp1511Asn; replaces aspartic acid 1511 with asparagine.
Molecular consequence: missense variant. On other transcripts: non-coding transcript variant (1).
Genome position (GRCh38, 1-based): chr14:23,416,981, C>T on the plus strand (G>A on the coding strand, the complement: MYH7 is on the minus strand). VCF-style: chr14-23416981-C-T. GRCh37 (hg19) VCF-style: chr14-23886190-C-T.
Other names: short protein forms D1511N.
Identifiers: ClinVar variation 849473 (VCV000849473.8), dbSNP rs1219074705, ClinGen allele CA389038205.

ClinVar aggregate classification (germline): Uncertain significance. Review status: criteria provided, multiple submitters, no conflicts (2 of 4 stars). 2 submissions from 2 submitters: Uncertain significance (2). Last evaluated 2026-01-05.

Conditions:
Cardiomyopathy (CMYO). Also called: Cardiomyopathies. Identifiers: Orphanet 167848, MedGen C0878544, MONDO:0004994, HP:0001638. Inheritance: Various modes of inheritance.
Hypertrophic cardiomyopathy. Also called: HYPERTROPHIC MYOCARDIOPATHY. Identifiers: Orphanet 217569, MedGen C0007194, MeSH D002312, MONDO:0005045, HP:0001639.

Allele frequency attached by ClinVar (database versions not stated): gnomAD exomes 0.00001 and below 0.00001; TOPMed 0.00001.
gnomAD v4.1: 8 of 1,614,220 alleles (0.0005%); highest among the groups gnomAD compares: East Asian, 0.0045%; no homozygotes.

Submissions (2):

Labcorp Genetics (formerly Invitae), Labcorp
Classification: Uncertain significance for Hypertrophic cardiomyopathy. Last evaluated: 2026-01-05. Review status: criteria provided, single submitter. Criteria: Invitae Variant Classification Sherloc (09022015). Collection method: clinical testing. Allele origin: germline.
Comment: This sequence change replaces aspartic acid, which is acidic and polar, with asparagine, which is neutral and polar, at codon 1511 of the MYH7 protein (p.Asp1511Asn). This variant is present in population databases (no rsID available, gnomAD 0.01%). This variant has not been reported in the literature in individuals affected with MYH7-related conditions. ClinVar contains an entry for this variant (Variation ID: 849473). Invitae Evidence Modeling of protein sequence and biophysical properties (such as structural, functional, and spatial information, amino acid conservation, physicochemical variation, residue mobility, and thermodynamic stability) indicates that this missense variant is expected to disrupt MYH7 protein function with a positive predictive value of 95%. In summary, the available evidence is currently insufficient to determine the role of this variant in disease. Therefore, it has been classified as a Variant of Uncertain Significance.

Color Diagnostics, LLC DBA Color Health
Classification: Uncertain significance for Cardiomyopathy. Last evaluated: 2025-09-09. Review status: criteria provided, single submitter. Criteria: ACMG Guidelines, 2015. Collection method: clinical testing. Allele origin: germline.
Comment: This missense variant replaces aspartic acid with asparagine at codon 1511 of the MYH7 protein. Computational prediction is inconclusive regarding the impact of this variant on protein structure and function. To our knowledge, functional studies have not been reported for this variant. This variant has been reported in a child affected with cardiomyopathy (PMID: 35629155). This variant has been identified in 2/251484 chromosomes in the general population by the Genome Aggregation Database (gnomAD). The available evidence is insufficient to determine the role of this variant in disease conclusively. Therefore, this variant is classified as a Variant of Uncertain Significance.

Literature cited by the submitters: PubMed 35629155 (cited by Color Diagnostics, LLC DBA Color Health).